The following is an entry in ClinVar:

ClinVar aggregate classification (germline): Uncertain significance. Review status: criteria provided, multiple submitters, no conflicts (2 of 4 stars). 2 submissions from 2 submitters: Uncertain significance (2). Last evaluated 2026-01-27.

Conditions:
Inborn genetic diseases. Identifiers: MedGen C0950123, MeSH D030342.
Mosaic variegated aneuploidy syndrome 1 (MVA1). Also called: Warburton-Anyane-Yeboa syndrome. Identifiers: Orphanet 1052, MedGen C1850343, MONDO:0009759, OMIM 257300.

Allele frequency attached by ClinVar (database versions not stated): gnomAD exomes below 0.00001.
gnomAD v4.1: 2 of 1,614,214 alleles (0.00012%); highest among the groups gnomAD compares: Non-Finnish European, 0.00017%; no homozygotes.

Submissions (2):

Labcorp Genetics (formerly Invitae), Labcorp
Classification: Uncertain significance for Mosaic variegated aneuploidy syndrome 1. Last evaluated: 2026-01-27. Review status: criteria provided, single submitter. Criteria: Invitae Variant Classification Sherloc (09022015). Collection method: clinical testing. Allele origin: germline.
Comment: This sequence change replaces alanine, which is neutral and non-polar, with serine, which is neutral and polar, at codon 50 of the BUB1B protein (p.Ala50Ser). This variant is present in population databases (no rsID available, gnomAD 0.0009%). This variant has not been reported in the literature in individuals affected with BUB1B-related conditions. ClinVar contains an entry for this variant (Variation ID: 1773754). An algorithm developed to predict the effect of missense changes on protein structure and function (PolyPhen-2) suggests that this variant is likely to be tolerated. In summary, the available evidence is currently insufficient to determine the role of this variant in disease. Therefore, it has been classified as a Variant of Uncertain Significance.

Ambry Genetics
Classification: Uncertain significance for Inborn genetic diseases. Last evaluated: 2025-07-03. Review status: criteria provided, single submitter. Criteria: Ambry Variant Classification Scheme 2023. Collection method: clinical testing. Allele origin: germline.
Comment: The p.A50S variant (also known as c.148G>T), located in coding exon 2 of the BUB1B gene, results from a G to T substitution at nucleotide position 148. The alanine at codon 50 is replaced by serine, an amino acid with similar properties. This amino acid position is conserved. In addition, this alteration is predicted to be tolerated by in silico analysis. Since supporting evidence is limited at this time, the clinical significance of this alteration remains unclear.

NM_001211.6(BUB1B):c.148G>T (p.Ala50Ser)

Gene: BUB1B (BUB1 mitotic checkpoint serine/threonine kinase B; plus strand). Cytogenetic location: 15q15.1.
Variant type: single nucleotide variant.
Coding change: c.148G>T on transcript NM_001211.6 (MANE Select); coding-DNA position 148, G replaced by T.
Protein change: p.Ala50Ser; replaces alanine 50 with serine.
Molecular consequence: missense variant.
Genome position (GRCh38, 1-based): chr15:40,165,165, G>T. VCF-style: chr15-40165165-G-T. GRCh37 (hg19) VCF-style: chr15-40457366-G-T.
Other names: short protein forms A50S.
Identifiers: ClinVar variation 1773754 (VCV001773754.4), dbSNP rs1355489592, ClinGen allele CA391677238.
Genomic context (GRCh38, chr15:40,165,165, plus strand): 5'-CAACCTTTAAGGCAAGGGCGGATCATGTCCACGCTTCAGGGAGCACTGGCACAAGAATCT[G>T]CCTGTAACAATACTCTTCAGCAGCAGAAACGGTGTGTAGAATGGCTGAGTCTCAACCTGT-3'
Protein context (NP_001202.5, residues 40-60): TLQGALAQES[Ala50Ser]CNNTLQQQKR